The following is an entry in ClinVar:

NM_001220.5(CAMK2B):c.524C>T (p.Ala175Val)

Gene: CAMK2B (calcium/calmodulin dependent protein kinase II beta; minus strand). Cytogenetic location: 7p13.
Variant type: single nucleotide variant.
Coding change: c.524C>T on transcript NM_001220.5 (MANE Select); coding-DNA position 524, C replaced by T.
Protein change: p.Ala175Val; replaces alanine 175 with valine.
Molecular consequence: missense variant.
Genome position (GRCh38, 1-based): chr7:44,243,327, G>A on the plus strand (C>T on the coding strand, the complement: CAMK2B is on the minus strand). VCF-style: chr7-44243327-G-A. GRCh37 (hg19) VCF-style: chr7-44282926-G-A.
Other names: c.524C>T, p.Ala175Val (NM_001293170.2, NM_172078.3, NM_172079.3 and 5 more transcripts); short protein forms A175V.
Identifiers: ClinVar variation 4975816 (VCV004975816.1).

ClinVar aggregate classification (germline): Uncertain significance (1 of 4 stars; one submission).

Submission:

GeneDx
Classification: Uncertain significance. Last evaluated: 2026-02-12. Review status: criteria provided, single submitter. Criteria: GeneDx Variant Classification Process June 2021. Collection method: clinical testing. Allele origin: germline.
Comment: Not observed at significant frequency in large population cohorts (gnomAD); In silico analysis supports that this missense variant has a deleterious effect on protein structure/function; Has not been previously published as pathogenic or benign to our knowledge